The following is an entry in ClinVar:

ClinVar aggregate classification (germline): Uncertain significance (1 of 4 stars; one submission).

Conditions:
Fanconi anemia (FA). Also called: Fanconi's anemia. Identifiers: Orphanet 84, MedGen C0015625, MeSH D005199, MONDO:0019391.

gnomAD v4.1: 2 of 1,613,320 alleles (0.00012%); highest among the groups gnomAD compares: East Asian, 0.0045%; no homozygotes.

Submission:

Labcorp Genetics (formerly Invitae), Labcorp
Classification: Uncertain significance for Fanconi anemia. Last evaluated: 2025-05-15. Review status: criteria provided, single submitter. Criteria: Invitae Variant Classification Sherloc (09022015). Collection method: clinical testing. Allele origin: germline.
Comment: This sequence change replaces glutamine, which is neutral and polar, with histidine, which is basic and polar, at codon 343 of the FANCA protein (p.Gln343His). This variant is present in population databases (rs779989777, gnomAD 0.01%). This variant has not been reported in the literature in individuals affected with FANCA-related conditions. ClinVar contains an entry for this variant (Variation ID: 2186432). Invitae Evidence Modeling of protein sequence and biophysical properties (such as structural, functional, and spatial information, amino acid conservation, physicochemical variation, residue mobility, and thermodynamic stability) has been performed for this missense variant. However, the output from this modeling did not meet the statistical confidence thresholds required to predict the impact of this variant on FANCA protein function. In summary, the available evidence is currently insufficient to determine the role of this variant in disease. Therefore, it has been classified as a Variant of Uncertain Significance.

NM_000135.4(FANCA):c.1029G>C (p.Gln343His)

Gene: FANCA (FA complementation group A; minus strand). Cytogenetic location: 16q24.3.
Variant type: single nucleotide variant.
Coding change: c.1029G>C on transcript NM_000135.4 (MANE Select); coding-DNA position 1029, G replaced by C.
Protein change: p.Gln343His; replaces glutamine 343 with histidine.
Molecular consequence: missense variant.
Genome position (GRCh38, 1-based): chr16:89,792,525, C>G on the plus strand (G>C on the coding strand, the complement: FANCA is on the minus strand). VCF-style: chr16-89792525-C-G. GRCh37 (hg19) VCF-style: chr16-89858933-C-G.
Other names: c.1029G>C, p.Gln343His (NM_001286167.3); short protein forms Q343H.
Identifiers: ClinVar variation 2186432 (VCV002186432.3), dbSNP rs779989777, ClinGen allele CA8252559.
Genomic context (GRCh38, chr16:89,792,525, plus strand): 5'-ACTCACCCTGCGGTACAGTGAGGTGAGCAGAGGGTGTGTCCGCGCAAAGCTCCACTCTCT[C>G]TGCATCTGAACAGCATCAGATGCTGCAGGGGGAGAAACAGACAAAAACTTCAAGTCAGAG-3'
Protein context (NP_000126.2, residues 333-353): VLKASDAVQM[Gln343His]REWSFARTHP